The following is an entry in ClinVar:

NM_005632.3(CAPN15):c.2755G>A (p.Gly919Arg)

Gene: CAPN15 (calpain 15; plus strand). Cytogenetic location: 16p13.3.
Variant type: single nucleotide variant.
Coding change: c.2755G>A on transcript NM_005632.3 (MANE Select); coding-DNA position 2755, G replaced by A.
Protein change: p.Gly919Arg; replaces glycine 919 with arginine.
Molecular consequence: missense variant.
Genome position (GRCh38, 1-based): chr16:552,622, G>A. VCF-style: chr16-552622-G-A. GRCh37 (hg19) VCF-style: chr16-602622-G-A.
Other names: short protein forms G919R.
Identifiers: ClinVar variation 4690040 (VCV004690040.1).
Genomic context (GRCh38, chr16:552,622, plus strand): 5'-AGGCCCACGGGGAGGGCTGCGGTTCACACGCCCGTCCTTGTAGCCTCCAGCCCCTCGGCA[G>A]GGGTCCCGAGAGCCTCCCCAGAGCCGCCGGGCCACGTGCTGGCTGTGTACAGCTCGAGGC-3'
Protein context (NP_005623.1, residues 909-929): PAPQASSPSA[Gly919Arg]VPRASPEPPG

ClinVar aggregate classification (germline): Uncertain significance (1 of 4 stars; one submission).

Submission:

GeneDx
Classification: Uncertain significance. Last evaluated: 2025-07-31. Review status: criteria provided, single submitter. Criteria: GeneDx Variant Classification Process June 2021. Collection method: clinical testing. Allele origin: germline. Affected: yes.
Comment: Not observed at significant frequency in large population cohorts (gnomAD); In silico analysis suggests that this missense variant does not alter protein structure/function; In silico analysis is inconclusive as to whether the variant alters gene splicing. In the absence of RNA/functional studies, the actual effect of this sequence change is unknown.; Has not been previously published as pathogenic or benign to our knowledge